The following is an entry in ClinVar:

NM_000257.4(MYH7):c.509A>G (p.Glu170Gly)

Gene: MYH7 (myosin heavy chain 7; minus strand). Cytogenetic location: 14q11.2.
Variant type: single nucleotide variant.
Coding change: c.509A>G on transcript NM_000257.4 (MANE Select); coding-DNA position 509, A replaced by G.
Protein change: p.Glu170Gly; replaces glutamic acid 170 with glycine.
Molecular consequence: missense variant.
Genome position (GRCh38, 1-based): chr14:23,432,500, T>C on the plus strand (A>G on the coding strand, the complement: MYH7 is on the minus strand). VCF-style: chr14-23432500-T-C. GRCh37 (hg19) VCF-style: chr14-23901709-T-C.
Other names: c.509A>G, p.Glu170Gly (NM_001407004.1); short protein forms E170G.
Identifiers: ClinVar variation 3387359 (VCV003387359.1).
Genomic context (GRCh38, chr14:23,432,500, plus strand): 5'-GGAGATTCTGAAAGGGAATACAGTAGCAGCTACACTCACGTGATCAGGATGGACTGGTTT[T>C]CTCTGTCTGTGGGGAGAGGGTGGGGAGGAAAGGTCAGGAGCTGCACAGGATGCTCTCGTG-3'
Protein context (NP_000248.2, residues 160-180): NAYQYMLTDR[Glu170Gly]NQSILITGES

ClinVar aggregate classification (germline): Uncertain significance (1 of 4 stars; one submission).

Conditions:
Cardiomyopathy (CMYO). Also called: Cardiomyopathies. Identifiers: Orphanet 167848, MedGen C0878544, MONDO:0004994, HP:0001638. Inheritance: Various modes of inheritance.

Submission:

All of Us Research Program, National Institutes of Health
Classification: Uncertain significance for Cardiomyopathy. Last evaluated: 2024-05-30. Review status: criteria provided, single submitter. Criteria: ACMG Guidelines, 2015. Collection method: clinical testing. Allele origin: germline. Inheritance: Autosomal dominant inheritance. Observed: 1 variant allele, 1 heterozygote.
Comment: This missense variant replaces glutamic acid with glycine at codon 170 of the MYH7 protein. Computational prediction suggests that this variant may have deleterious impact on protein structure and function (internally defined REVEL score threshold >= 0.7, PMID: 27666373). To our knowledge, functional studies have not been reported for this variant. This variant has not been reported in individuals affected with MYH7-related disorders in the literature. This variant has not been identified in the general population by the Genome Aggregation Database (gnomAD). The available evidence is insufficient to determine the role of this variant in disease conclusively. Therefore, this variant is classified as a Variant of Uncertain Significance.

This study involves interpretation of variants in research participants for the purpose of population health screening. Participant phenotype was not available at the time of variant classification. Additional details can be found in publication PMID: 35346344, PMCID: PMC8962531